The following is an entry in ClinVar:

NM_024753.5(TTC21B):c.985G>A (p.Glu329Lys)

Gene: TTC21B (tetratricopeptide repeat domain 21B; minus strand). Cytogenetic location: 2q24.3.
Variant type: single nucleotide variant.
Coding change: c.985G>A on transcript NM_024753.5 (MANE Select); coding-DNA position 985, G replaced by A.
Protein change: p.Glu329Lys; replaces glutamic acid 329 with lysine.
Molecular consequence: missense variant.
Genome position (GRCh38, 1-based): chr2:165,930,274, C>T on the plus strand (G>A on the coding strand, the complement: TTC21B is on the minus strand). VCF-style: chr2-165930274-C-T. GRCh37 (hg19) VCF-style: chr2-166786784-C-T.
Other names: c.985G>A (NM_024753.4); short protein forms E329K.
Identifiers: ClinVar variation 1476240 (VCV001476240.7), dbSNP rs768266139, ClinGen allele CA1942267.

ClinVar aggregate classification (germline): Uncertain significance. Review status: criteria provided, multiple submitters, no conflicts (2 of 4 stars). 2 submissions from 2 submitters: Uncertain significance (2). Last evaluated 2025-11-25.

Conditions:
TTC21B-related disorder. Also called: TTC21B-related condition; TTC21B-related disorders.
Nephronophthisis. Also called: Juvenile Nephronophthisis. Identifiers: Orphanet 655, MedGen C0687120, MONDO:0019005, HP:0000090.
Jeune thoracic dystrophy. Also called: Short-rib thoracic dysplasia; Jeune syndrome; Infantile thoracic dystrophy; Thoracic pelvic phalangeal dystrophy; Jeune's syndrome; Chondroectodermal dysplasia-like syndrome. Identifiers: Orphanet 474, MedGen C0265275, MONDO:0018770.

Allele frequency attached by ClinVar (database versions not stated): gnomAD exomes below 0.00001 and 0.00001; TOPMed below 0.00001; ExAC 0.00001.
gnomAD v4.1: 5 of 1,613,158 alleles (0.00031%); highest among the groups gnomAD compares: South Asian, 0.0044%; no homozygotes.

Submissions (2):

PreventionGenetics, part of Exact Sciences
Classification: Uncertain significance for TTC21B-related condition. Last evaluated: 2025-11-25. Review status: criteria provided, single submitter. Criteria: ACMG Guidelines, 2015. Collection method: clinical testing. Allele origin: germline.
Comment: The TTC21B c.985G>A variant is predicted to result in the amino acid substitution p.Glu329Lys. To our knowledge, this variant has not been reported in the literature. This variant is reported in 0.0065% of alleles in individuals of South Asian descent in gnomAD. At this time, the clinical significance of this variant is uncertain due to the absence of conclusive functional and genetic evidence.

Labcorp Genetics (formerly Invitae), Labcorp
Classification: Uncertain significance for Jeune thoracic dystrophy; Nephronophthisis. Last evaluated: 2022-02-25. Review status: criteria provided, single submitter. Criteria: Invitae Variant Classification Sherloc (09022015). Collection method: clinical testing. Allele origin: germline.
Comment: In summary, the available evidence is currently insufficient to determine the role of this variant in disease. Therefore, it has been classified as a Variant of Uncertain Significance. Algorithms developed to predict the effect of missense changes on protein structure and function are either unavailable or do not agree on the potential impact of this missense change (SIFT: "Tolerated"; PolyPhen-2: "Probably Damaging"; Align-GVGD: "Class C0"). This variant has not been reported in the literature in individuals affected with TTC21B-related conditions. This variant is present in population databases (rs768266139, gnomAD 0.006%). This sequence change replaces glutamic acid, which is acidic and polar, with lysine, which is basic and polar, at codon 329 of the TTC21B protein (p.Glu329Lys).